The following is an entry in ClinVar:

NM_003922.4(HERC1):c.8999C>G (p.Pro3000Arg)

Gene: HERC1 (HECT and RLD domain containing E3 ubiquitin protein ligase family member 1; minus strand). Cytogenetic location: 15q22.31.
Variant type: single nucleotide variant.
Coding change: c.8999C>G on transcript NM_003922.4 (MANE Select); coding-DNA position 8999, C replaced by G.
Protein change: p.Pro3000Arg; replaces proline 3000 with arginine.
Molecular consequence: missense variant.
Genome position (GRCh38, 1-based): chr15:63,661,924, G>C on the plus strand (C>G on the coding strand, the complement: HERC1 is on the minus strand). VCF-style: chr15-63661924-G-C. GRCh37 (hg19) VCF-style: chr15-63954123-G-C.
Other names: short protein forms P3000R.
Identifiers: ClinVar variation 1909489 (VCV001909489.5), dbSNP rs776978144, ClinGen allele CA7604816.

ClinVar aggregate classification (germline): Uncertain significance (1 of 4 stars; one submission).

Allele frequency attached by ClinVar (database versions not stated): ExAC 0.00001; gnomAD exomes 0.00001.
gnomAD v4.1: 16 of 1,613,900 alleles (0.00099%); highest among the groups gnomAD compares: Non-Finnish European, 0.0013%; no homozygotes.

Submission:

Labcorp Genetics (formerly Invitae), Labcorp
Classification: Uncertain significance. Last evaluated: 2022-05-04. Review status: criteria provided, single submitter. Criteria: Invitae Variant Classification Sherloc (09022015). Collection method: clinical testing. Allele origin: germline.
Comment: In summary, the available evidence is currently insufficient to determine the role of this variant in disease. Therefore, it has been classified as a Variant of Uncertain Significance. Algorithms developed to predict the effect of missense changes on protein structure and function (SIFT, PolyPhen-2, Align-GVGD) all suggest that this variant is likely to be disruptive. This variant has not been reported in the literature in individuals affected with HERC1-related conditions. This variant is present in population databases (rs776978144, gnomAD 0.002%). This sequence change replaces proline, which is neutral and non-polar, with arginine, which is basic and polar, at codon 3000 of the HERC1 protein (p.Pro3000Arg).